The following is an entry in ClinVar:

ClinVar aggregate classification (germline): Uncertain significance (1 of 4 stars; one submission).

Conditions:
Cystic fibrosis (CF). Also called: MUCOVISCIDOSIS. Identifiers: Orphanet 586, MedGen C0010674, MONDO:0009061, OMIM 219700. Disease mechanism: loss of function.

Submission:

Ambry Genetics
Classification: Uncertain significance for Cystic fibrosis. Last evaluated: 2024-08-22. Review status: criteria provided, single submitter. Criteria: Ambry Variant Classification Scheme 2023. Collection method: clinical testing. Allele origin: germline.
Comment: The p.L1029F variant (also known as c.3087G>C), located in coding exon 19 of the CFTR gene, results from a G to C substitution at nucleotide position 3087. The leucine at codon 1029 is replaced by phenylalanine, an amino acid with highly similar properties. This amino acid position is conserved. In addition, this alteration is predicted to be deleterious by in silico analysis. Based on the available evidence, the clinical significance of this variant remains unclear.

NM_000492.4(CFTR):c.3087G>C (p.Leu1029Phe)

Genes: CFTR (CF transmembrane conductance regulator; plus strand), CFTR-AS2 (CFTR antisense RNA 2; minus strand), LOC111674472 (DNase I hypersensitive sites in introns 16 and 17a of CFTR; plus strand). Cytogenetic location: 7q31.2.
Variant type: single nucleotide variant.
Coding change: c.3087G>C on transcript NM_000492.4 (MANE Select); coding-DNA position 3087, G replaced by C.
Protein change: p.Leu1029Phe; replaces leucine 1029 with phenylalanine.
Molecular consequence: missense variant.
Genome position (GRCh38, 1-based): chr7:117,610,617, G>C. VCF-style: chr7-117610617-G-C. GRCh37 (hg19) VCF-style: chr7-117250671-G-C.
Other names: short protein forms L1029F.
Identifiers: ClinVar variation 3491653 (VCV003491653.1).